The following is an entry in ClinVar:

ClinVar aggregate classification (germline): Likely benign. Review status: criteria provided, multiple submitters, no conflicts (2 of 4 stars). 2 submissions from 2 submitters: Likely benign (2). Last evaluated 2026-09-01.

Allele frequency attached by ClinVar (database versions not stated): gnomAD 0.00007; TOPMed 0.00015; ExAC 0.00036.
gnomAD v4.1: 159 of 1,565,804 alleles (0.01%); highest among the groups gnomAD compares: Admixed American, 0.11%; no homozygotes.

Submissions (2):

CeGaT Center for Human Genetics Tuebingen
Classification: Likely benign. Last evaluated: 2026-09-01. Review status: criteria provided, single submitter. Criteria: CeGaT Center For Human Genetics Tuebingen Variant Classification Criteria Version 2. Collection method: clinical testing. Allele origin: germline. Affected: yes. Observed: 1 variant allele.
Comment: LAMA5: BP4, BP7

Labcorp Genetics (formerly Invitae), Labcorp
Classification: Likely benign. Last evaluated: 2025-08-06. Review status: criteria provided, single submitter. Criteria: Invitae Variant Classification Sherloc (09022015). Collection method: clinical testing. Allele origin: germline.

NM_005560.6(LAMA5):c.7593C>T (p.Ala2531=)

Gene: LAMA5 (laminin subunit alpha 5; minus strand). Cytogenetic location: 20q13.33.
Variant type: single nucleotide variant.
Coding change: c.7593C>T on transcript NM_005560.6 (MANE Select); coding-DNA position 7593, C replaced by T.
Protein change: p.Ala2531=; no amino-acid change (alanine 2531 retained).
Molecular consequence: synonymous variant.
Genome position (GRCh38, 1-based): chr20:62,316,942, G>A on the plus strand (C>T on the coding strand, the complement: LAMA5 is on the minus strand). VCF-style: chr20-62316942-G-A. GRCh37 (hg19) VCF-style: chr20-60891998-G-A.
Identifiers: ClinVar variation 2766037 (VCV002766037.4), dbSNP rs753464011, ClinGen allele CA9941150.